The following is an entry in ClinVar:

ClinVar aggregate classification (germline): Uncertain significance. Review status: criteria provided, multiple submitters, no conflicts (2 of 4 stars). 2 submissions from 2 submitters: Uncertain significance (2). Last evaluated 2025-03-19.

Allele frequency attached by ClinVar (database versions not stated): 1000 Genomes Project 30x 0.00016; gnomAD exomes 0.00017; gnomAD 0.00034 and 0.00036; TOPMed 0.00040.
gnomAD v4.1: 86 of 1,447,042 alleles (0.0059%); highest among the groups gnomAD compares: African/African-American, 0.1%; 1 homozygote.

Submissions (2):

Labcorp Genetics (formerly Invitae), Labcorp
Classification: Uncertain significance. Last evaluated: 2025-03-19. Review status: criteria provided, single submitter. Criteria: Invitae Variant Classification Sherloc (09022015). Collection method: clinical testing. Allele origin: germline.
Comment: This sequence change replaces proline, which is neutral and non-polar, with serine, which is neutral and polar, at codon 72 of the DMRT2 protein (p.Pro72Ser). This variant is present in population databases (rs774935912, gnomAD 0.2%), and has an allele count higher than expected for a pathogenic variant. This variant has not been reported in the literature in individuals affected with DMRT2-related conditions. ClinVar contains an entry for this variant (Variation ID: 1481146). An algorithm developed to predict the effect of missense changes on protein structure and function outputs the following: PolyPhen-2: "Possibly Damaging". The serine amino acid residue is found in multiple mammalian species, which suggests that this missense change does not adversely affect protein function. In summary, the available evidence is currently insufficient to determine the role of this variant in disease. Therefore, it has been classified as a Variant of Uncertain Significance.

Ambry Genetics
Classification: Uncertain significance. Last evaluated: 2022-12-14. Review status: criteria provided, single submitter. Criteria: Ambry Variant Classification Scheme 2023. Collection method: clinical testing. Allele origin: germline.

NM_181872.6(DMRT2):c.214C>T (p.Pro72Ser)

Gene: DMRT2 (doublesex and mab-3 related transcription factor 2; plus strand). Cytogenetic location: 9p24.3.
Variant type: single nucleotide variant.
Coding change: c.214C>T on transcript NM_181872.6 (MANE Select); coding-DNA position 214, C replaced by T.
Protein change: p.Pro72Ser; replaces proline 72 with serine.
Molecular consequence: missense variant. On other transcripts: 5 prime UTR variant (1), non-coding transcript variant (1).
Genome position (GRCh38, 1-based): chr9:1,051,827, C>T. VCF-style: chr9-1051827-C-T. GRCh37 (hg19) VCF-style: chr9-1051827-C-T.
Other names: c.214C>T (NM_181872.4); c.214C>T, p.Pro72Ser (NM_001130865.3, NM_001370531.1, NM_001370533.1 and 4 more transcripts); c.-437C>T (NM_001370532.1); short protein forms P72S.
Identifiers: ClinVar variation 1481146 (VCV001481146.7), dbSNP rs774935912, ClinGen allele CA4962309.